The following is an entry in ClinVar:

ClinVar aggregate classification (germline): Benign/Likely benign. Review status: criteria provided, multiple submitters, no conflicts (2 of 4 stars). 2 submissions from 2 submitters: Benign (1); Likely benign (1). Last evaluated 2026-05-22.

Conditions:
Neurofibromatosis, type 1 (NF1). Also called: Neurofibromatosis, type I; NEUROFIBROMATOSIS, TYPE I, SOMATIC; Peripheral type neurofibromatosis; VON RECKLINGHAUSEN DISEASE. Identifiers: Orphanet 636, MedGen C0027831, MONDO:0018975, OMIM 162200. Disease mechanism: loss of function.

Submissions (2):

Myriad Genetics, Inc.
Classification: Benign for Neurofibromatosis, type 1. Last evaluated: 2026-05-22. Review status: criteria provided, single submitter. Criteria: Myriad Autosomal Dominant, Autosomal Recessive and X-Linked Classification Criteria (2023). Collection method: clinical testing. Allele origin: unknown.
Comment: This variant is considered benign. This variant is a silent/synonymous amino acid change and it is not expected to impact splicing.

Labcorp Genetics (formerly Invitae), Labcorp
Classification: Likely benign for Neurofibromatosis, type 1. Last evaluated: 2024-02-11. Review status: criteria provided, single submitter. Criteria: Invitae Variant Classification Sherloc (09022015). Collection method: clinical testing. Allele origin: germline.

NM_001042492.3(NF1):c.8313T>C (p.Ser2771=)

Gene: NF1 (neurofibromin 1; plus strand). Cytogenetic location: 17q11.2.
Variant type: single nucleotide variant.
Coding change: c.8313T>C on transcript NM_001042492.3 (MANE Select); coding-DNA position 8313, T replaced by C.
Protein change: p.Ser2771=; no amino-acid change (serine 2771 retained).
Molecular consequence: synonymous variant.
Genome position (GRCh38, 1-based): chr17:31,360,639, T>C. VCF-style: chr17-31360639-T-C. GRCh37 (hg19) VCF-style: chr17-29687657-T-C.
Other names: c.8250T>C, p.Ser2750= (NM_000267.4).
Identifiers: ClinVar variation 3705167 (VCV003705167.3).